The following is an entry in ClinVar:

NM_000070.3(CAPN3):c.1116-226A>G

Gene: CAPN3 (calpain 3; plus strand). Cytogenetic location: 15q15.1.
Variant type: single nucleotide variant.
Coding change: c.1116-226A>G on transcript NM_000070.3 (MANE Select); 226 bases into the intron before coding-DNA position 1116, A replaced by G.
Molecular consequence: intron variant.
Genome position (GRCh38, 1-based): chr15:42,396,574, A>G. VCF-style: chr15-42396574-A-G. GRCh37 (hg19) VCF-style: chr15-42688772-A-G.
Other names: c.1116-226A>G (NM_024344.2); c.972-226A>G (NM_173087.2).
Identifiers: ClinVar variation 678273 (VCV000678273.1), dbSNP rs3115877, ClinGen allele CA269841695.

ClinVar aggregate classification (germline): Benign (1 of 4 stars; one submission).

Allele frequency attached by ClinVar (database versions not stated): gnomAD 0.93299 and 0.93487; TOPMed 0.94759; 1000 Genomes Project 0.97524; 1000 Genomes Project 30x 0.97548.
gnomAD v4.1: 142,350 of 152,194 alleles (94%); highest among the groups gnomAD compares: East Asian, 100%; 66,759 homozygotes.

Submission:

GeneDx
Classification: Benign. Last evaluated: 2018-06-14. Review status: criteria provided, single submitter. Criteria: GeneDx Variant Classification (06012015). Collection method: clinical testing. Allele origin: germline. Affected: yes.
Comment: This variant is considered likely benign or benign based on one or more of the following criteria: it is a conservative change, it occurs at a poorly conserved position in the protein, it is predicted to be benign by multiple in silico algorithms, and/or has population frequency not consistent with disease.